The following is an entry in ClinVar:

ClinVar aggregate classification (germline): Likely benign. Review status: criteria provided, multiple submitters, no conflicts (2 of 4 stars). 3 submissions from 3 submitters: Likely benign (3). Last evaluated 2026-01-01.

Conditions:
Inborn genetic diseases. Identifiers: MedGen C0950123, MeSH D030342.

Allele frequency attached by ClinVar (database versions not stated): gnomAD 0.00006; ExAC 0.00008; gnomAD exomes 0.00009; TOPMed 0.00014.
gnomAD v4.1: 154 of 1,596,246 alleles (0.0096%); highest among the groups gnomAD compares: Middle Eastern, 0.084%; no homozygotes.

Submissions (3):

CeGaT Center for Human Genetics Tuebingen
Classification: Likely benign. Last evaluated: 2026-01-01. Review status: criteria provided, single submitter. Criteria: CeGaT Center For Human Genetics Tuebingen Variant Classification Criteria Version 2. Collection method: clinical testing. Allele origin: germline. Affected: yes. Observed: 1 variant allele.
Comment: PRR12: BS2

Blueprint Genetics
Classification: Likely benign. Last evaluated: 2024-10-15. Review status: criteria provided, single submitter. Criteria: ACMG Guidelines, 2015. Collection method: clinical testing. Allele origin: germline.

Ambry Genetics
Classification: Likely benign for Inborn genetic diseases. Last evaluated: 2022-01-26. Review status: criteria provided, single submitter. Criteria: Ambry Variant Classification Scheme 2023. Collection method: clinical testing. Allele origin: germline.

NM_020719.3(PRR12):c.1343C>G (p.Pro448Arg)

Gene: PRR12 (proline rich 12; plus strand). Cytogenetic location: 19q13.33.
Variant type: single nucleotide variant.
Coding change: c.1343C>G on transcript NM_020719.3 (MANE Select); coding-DNA position 1343, C replaced by G.
Protein change: p.Pro448Arg; replaces proline 448 with arginine.
Molecular consequence: missense variant.
Genome position (GRCh38, 1-based): chr19:49,595,678, C>G. VCF-style: chr19-49595678-C-G. GRCh37 (hg19) VCF-style: chr19-50098935-C-G.
Other names: short protein forms P448R.
Identifiers: ClinVar variation 2344327 (VCV002344327.7), dbSNP rs753714238, ClinGen allele CA9577839.